The following is an entry in ClinVar:

NM_015726.4(DCAF8):c.141T>A (p.Ser47Arg)

Gene: DCAF8 (DDB1 and CUL4 associated factor 8; minus strand). Cytogenetic location: 1q23.2.
Variant type: single nucleotide variant.
Coding change: c.141T>A on transcript NM_015726.4 (MANE Select); coding-DNA position 141, T replaced by A.
Protein change: p.Ser47Arg; replaces serine 47 with arginine.
Molecular consequence: missense variant. On other transcripts: non-coding transcript variant (4).
Genome position (GRCh38, 1-based): chr1:160,240,279, A>T on the plus strand (T>A on the coding strand, the complement: DCAF8 is on the minus strand). VCF-style: chr1-160240279-A-T. GRCh37 (hg19) VCF-style: chr1-160210069-A-T.
Other names: short protein forms S47R.
Identifiers: ClinVar variation 1691063 (VCV001691063.2), dbSNP rs1372136970, ClinGen allele CA343234577.

ClinVar aggregate classification (germline): Uncertain significance (1 of 4 stars; one submission).

Submission:

Laboratorio de Genetica e Diagnostico Molecular, Hospital Israelita Albert Einstein
Classification: Uncertain significance. Last evaluated: 2022-04-11. Review status: criteria provided, single submitter. Criteria: ACMG Guidelines, 2015. Collection method: clinical testing. Allele origin: germline. Affected: yes.
Comment: ACMG classification criteria: PM2, BP4